The following is an entry in ClinVar:

ClinVar aggregate classification (germline): Likely benign (0 of 4 stars; one submission).

Conditions:
TMEM94-related disorder. Also called: TMEM94-related condition.

gnomAD v4.1: 94 of 1,613,698 alleles (0.0058%); highest among the groups gnomAD compares: Middle Eastern, 0.049%; 1 homozygote.

Submission:

PreventionGenetics, part of Exact Sciences
Classification: Likely benign for TMEM94-related condition. Last evaluated: 2024-08-09. Review status: no assertion criteria provided. Collection method: clinical testing. Allele origin: germline.
Comment: This variant is classified as likely benign based on ACMG/AMP sequence variant interpretation guidelines (Richards et al. 2015 PMID: 25741868, with internal and published modifications).

NM_014738.6(TMEM94):c.1072-7C>T

Gene: TMEM94 (transmembrane protein 94; plus strand). Cytogenetic location: 17q25.1.
Variant type: single nucleotide variant.
Coding change: c.1072-7C>T on transcript NM_014738.6 (MANE Select); 7 bases into the intron before coding-DNA position 1072, C replaced by T.
Molecular consequence: intron variant.
Genome position (GRCh38, 1-based): chr17:75,490,695, C>T. VCF-style: chr17-75490695-C-T. GRCh37 (hg19) VCF-style: chr17-73486776-C-T.
Other names: c.1072-7C>T (NM_001321149.2, NM_001351202.2); c.1102-7C>T (NM_001321148.2, NM_001351203.2).
Identifiers: ClinVar variation 3352237 (VCV003352237.1).